The following is an entry in ClinVar:

ClinVar aggregate classification (germline): Uncertain significance (1 of 4 stars; one submission).

Allele frequency attached by ClinVar (database versions not stated): gnomAD 0.00001.

Submission:

Labcorp Genetics (formerly Invitae), Labcorp
Classification: Uncertain significance. Last evaluated: 2022-07-26. Review status: criteria provided, single submitter. Criteria: Invitae Variant Classification Sherloc (09022015). Collection method: clinical testing. Allele origin: germline.
Comment: This sequence change replaces proline, which is neutral and non-polar, with serine, which is neutral and polar, at codon 528 of the MCM3AP protein (p.Pro528Ser). This variant is not present in population databases (gnomAD no frequency). This variant has not been reported in the literature in individuals affected with MCM3AP-related conditions. ClinVar contains an entry for this variant (Variation ID: 1386587). Algorithms developed to predict the effect of missense changes on protein structure and function (SIFT, PolyPhen-2, Align-GVGD) all suggest that this variant is likely to be tolerated. In summary, the available evidence is currently insufficient to determine the role of this variant in disease. Therefore, it has been classified as a Variant of Uncertain Significance.

NM_003906.5(MCM3AP):c.1582C>T (p.Pro528Ser)

Gene: MCM3AP (minichromosome maintenance complex component 3 associated protein; minus strand). Cytogenetic location: 21q22.3.
Variant type: single nucleotide variant.
Coding change: c.1582C>T on transcript NM_003906.5 (MANE Select); coding-DNA position 1582, C replaced by T.
Protein change: p.Pro528Ser; replaces proline 528 with serine.
Molecular consequence: missense variant.
Genome position (GRCh38, 1-based): chr21:46,280,078, G>A on the plus strand (C>T on the coding strand, the complement: MCM3AP is on the minus strand). VCF-style: chr21-46280078-G-A. GRCh37 (hg19) VCF-style: chr21-47699992-G-A.
Other names: short protein forms P528S.
Identifiers: ClinVar variation 1386587 (VCV001386587.8), dbSNP rs2081312304, ClinGen allele CA410529379.